The following is an entry in ClinVar:

NM_000883.4(IMPDH1):c.849T>A (p.Asn283Lys)

Gene: IMPDH1 (inosine monophosphate dehydrogenase 1; minus strand). Cytogenetic location: 7q32.1.
Variant type: single nucleotide variant.
Coding change: c.849T>A on transcript NM_000883.4 (MANE Select); coding-DNA position 849, T replaced by A.
Protein change: p.Asn283Lys; replaces asparagine 283 with lysine.
Molecular consequence: missense variant.
Genome position (GRCh38, 1-based): chr7:128,400,120, A>T on the plus strand (T>A on the coding strand, the complement: IMPDH1 is on the minus strand). VCF-style: chr7-128400120-A-T. GRCh37 (hg19) VCF-style: chr7-128040174-A-T.
Other names: c.819T>A, p.Asn273Lys (NM_001102605.2); c.594T>A, p.Asn198Lys (NM_001142573.2); c.579T>A, p.Asn193Lys (NM_001142574.2); c.519T>A, p.Asn173Lys (NM_001142575.2); c.750T>A, p.Asn250Lys (NM_001142576.2); c.642T>A, p.Asn214Lys (NM_001304521.2); c.741T>A, p.Asn247Lys (NM_183243.3); short protein forms N193K, N247K, N214K, N250K, N273K, N173K, N198K, N283K.
Identifiers: ClinVar variation 1457411 (VCV001457411.6), dbSNP rs121912554, ClinGen allele CA369171839.

ClinVar aggregate classification (germline): Pathogenic (1 of 4 stars; one submission).

Submission:

Labcorp Genetics (formerly Invitae), Labcorp
Classification: Pathogenic. Last evaluated: 2025-12-20. Review status: criteria provided, single submitter. Criteria: Invitae Variant Classification Sherloc (09022015). Collection method: clinical testing. Allele origin: germline.
Comment: This sequence change replaces asparagine, which is neutral and polar, with lysine, which is basic and polar, at codon 283 of the IMPDH1 protein (p.Asn283Lys). This variant is not present in population databases (gnomAD no frequency). This missense change has been observed in individual(s) with Leber congenital amaurosis (PMID: 16384941). In at least one individual the variant was observed to be de novo. This variant is also known as Asn198Lys. ClinVar contains an entry for this variant (Variation ID: 1457411). An algorithm developed to predict the effect of missense changes on protein structure and function (PolyPhen-2) suggests that this variant is likely to be disruptive. Experimental studies have shown that this missense change affects IMPDH1 function (PMID: 16384941). For these reasons, this variant has been classified as Pathogenic.

Literature cited by the submitters: PubMed 16384941.